The following is an entry in ClinVar:

NM_000292.3(PHKA2):c.1205G>A (p.Trp402Ter)

Gene: PHKA2 (phosphorylase kinase regulatory subunit alpha 2; minus strand). Cytogenetic location: Xp22.13.
Variant type: single nucleotide variant.
Coding change: c.1205G>A on transcript NM_000292.3 (MANE Select); coding-DNA position 1205, G replaced by A.
Protein change: p.Trp402Ter; replaces tryptophan 402 with a stop codon.
Molecular consequence: nonsense.
Genome position (GRCh38, 1-based): chrX:18,931,681, C>T on the plus strand (G>A on the coding strand, the complement: PHKA2 is on the minus strand). VCF-style: chrX-18931681-C-T. GRCh37 (hg19) VCF-style: chrX-18949799-C-T.
Other names: short protein forms W402*.
Identifiers: ClinVar variation 947434 (VCV000947434.8), dbSNP rs2048317403, ClinGen allele CA412394971.

ClinVar aggregate classification (germline): Pathogenic. Review status: criteria provided, multiple submitters, no conflicts (2 of 4 stars). 2 submissions from 2 submitters: Pathogenic (2). Last evaluated 2023-07-31.

Conditions:
Glycogen storage disease IXa1. Also called: LIVER GLYCOGENOSIS, X-LINKED, TYPE I; GLYCOGEN STORAGE DISEASE VIII; GSD VIII; Glycogen storage disease 8. Identifiers: Orphanet 264580, MedGen C3694531, MONDO:0010598, OMIM 306000.

Submissions (2):

GeneDx
Classification: Pathogenic. Last evaluated: 2023-07-31. Review status: criteria provided, single submitter. Criteria: GeneDx Variant Classification Process June 2021. Collection method: clinical testing. Allele origin: germline. Affected: yes.
Comment: Identified in a patient with suspected phosphorylase kinase deficiency in published literature (Bali et al., 2017); Nonsense variant predicted to result in protein truncation or nonsense mediated decay in a gene for which loss of function is a known mechanism of disease; Not observed at significant frequency in large population cohorts (gnomAD); This variant is associated with the following publications: (PMID: 28283841)

Labcorp Genetics (formerly Invitae), Labcorp
Classification: Pathogenic for Glycogen storage disease IXa1. Last evaluated: 2022-11-02. Review status: criteria provided, single submitter. Criteria: Invitae Variant Classification Sherloc (09022015). Collection method: clinical testing. Allele origin: germline.
Comment: For these reasons, this variant has been classified as Pathogenic. ClinVar contains an entry for this variant (Variation ID: 947434). This premature translational stop signal has been observed in individual(s) with clinical features of glycogen storage disease type IXa (PMID: 28283841). This variant is not present in population databases (gnomAD no frequency). This sequence change creates a premature translational stop signal (p.Trp402*) in the PHKA2 gene. It is expected to result in an absent or disrupted protein product. Loss-of-function variants in PHKA2 are known to be pathogenic (PMID: 7711737, 10330341).

Literature cited by the submitters: PubMed 28283841 (cited by Labcorp Genetics (formerly Invitae), Labcorp); PubMed 7711737 (cited by Labcorp Genetics (formerly Invitae), Labcorp); PubMed 10330341 (cited by Labcorp Genetics (formerly Invitae), Labcorp).